The following is an entry in ClinVar:

NM_024675.4(PALB2):c.1647del (p.His549fs)

Gene: PALB2 (partner and localizer of BRCA2; minus strand). Cytogenetic location: 16p12.2.
Variant type: Deletion.
Coding change: c.1647del on transcript NM_024675.4 (MANE Select); coding-DNA position 1647, one base deleted (C; older notation c.1647delC).
Protein change: p.His549fs; shifts the reading frame from histidine 549.
Molecular consequence: frameshift variant. On other transcripts: intron variant (3).
Genome position (GRCh38, 1-based): chr16:23,634,899, G deleted on the plus strand (C on the coding strand, the reverse complement: PALB2 is on the minus strand). VCF-style (leftmost placement, unchanged base first): chr16-23634898-TG-T. GRCh37 (hg19) VCF-style: chr16-23646219-TG-T.
Other names: c.1587del, p.His529fs (NM_001407296.1); c.1647del, p.His549fs (NM_001407297.1, NM_001407298.1, NM_001407299.1 and 3 more transcripts); c.762del, p.His254fs (NM_001407304.1, NM_001407305.1, NM_001407306.1 and 5 more transcripts); c.49-5624del (NM_001407314.1); c.-104-4430del (NM_001407313.1, NM_001407312.1); short protein forms H254fs, H529fs, H549fs.
Identifiers: ClinVar variation 2674092 (VCV002674092.4), dbSNP rs2506470426, ClinGen allele CA2695197543.

ClinVar aggregate classification (germline): Pathogenic. Review status: criteria provided, multiple submitters, no conflicts (2 of 4 stars). 2 submissions from 2 submitters: Pathogenic (2). Last evaluated 2023-12-08.

Conditions:
Familial cancer of breast. Also called: Hereditary breast cancer; BREAST CANCER, FAMILIAL; hereditary breast carcinoma. Identifiers: Orphanet 227535, MedGen C0346153, MONDO:0016419, OMIM 114480. Disease mechanism: loss of function.

Submissions (2):

Labcorp Genetics (formerly Invitae), Labcorp
Classification: Pathogenic for Familial cancer of breast. Last evaluated: 2023-12-08. Review status: criteria provided, single submitter. Criteria: Invitae Variant Classification Sherloc (09022015). Collection method: clinical testing. Allele origin: germline.
Comment: This sequence change creates a premature translational stop signal (p.His549Glnfs*12) in the PALB2 gene. It is expected to result in an absent or disrupted protein product. Loss-of-function variants in PALB2 are known to be pathogenic (PMID: 17200668, 17200671, 17200672, 24136930, 25099575). This variant is not present in population databases (gnomAD no frequency). This variant has not been reported in the literature in individuals affected with PALB2-related conditions. For these reasons, this variant has been classified as Pathogenic.

Myriad Genetics, Inc.
Classification: Pathogenic for Familial cancer of breast. Last evaluated: 2023-09-11. Review status: criteria provided, single submitter. Criteria: Myriad Autosomal Dominant, Autosomal Recessive and X-Linked Classification Criteria (2023). Collection method: clinical testing. Allele origin: unknown.
Comment: This variant is considered pathogenic. This variant creates a frameshift predicted to result in premature protein truncation.

Literature cited by the submitters: PubMed 17200668 (cited by Labcorp Genetics (formerly Invitae), Labcorp); PubMed 17200671 (cited by Labcorp Genetics (formerly Invitae), Labcorp); PubMed 17200672 (cited by Labcorp Genetics (formerly Invitae), Labcorp); PubMed 24136930 (cited by Labcorp Genetics (formerly Invitae), Labcorp); PubMed 25099575 (cited by Labcorp Genetics (formerly Invitae), Labcorp).